The following is an entry in ClinVar:

NM_003036.4(SKI):c.848C>T (p.Ala283Val)

Gene: SKI (SKI proto-oncogene; plus strand). Cytogenetic location: 1p36.33.
Variant type: single nucleotide variant.
Coding change: c.848C>T on transcript NM_003036.4 (MANE Select); coding-DNA position 848, C replaced by T.
Protein change: p.Ala283Val; replaces alanine 283 with valine.
Molecular consequence: missense variant.
Genome position (GRCh38, 1-based): chr1:2,229,614, C>T. VCF-style: chr1-2229614-C-T. GRCh37 (hg19) VCF-style: chr1-2161053-C-T.
Other names: c.848C>T (NM_003036.3); short protein forms A283V.
Identifiers: ClinVar variation 2419501 (VCV002419501.7), dbSNP rs931048225, ClinGen allele CA16872705.

ClinVar aggregate classification (germline): Conflicting classifications of pathogenicity. Review status: criteria provided, conflicting classifications (1 of 4 stars). 2 submissions from 2 submitters: Uncertain significance (1); Likely benign (1). Last evaluated 2025-07-14.

Conditions:
Familial thoracic aortic aneurysm and aortic dissection (TAAD). Also called: Thoracic aortic aneurysms and dissections. Identifiers: Orphanet 91387, MedGen C4707243, MONDO:0019625.
Shprintzen-Goldberg syndrome (SGS). Also called: SHPRINTZEN-GOLDBERG CRANIOSYNOSTOSIS SYNDROME; CRANIOSYNOSTOSIS WITH ARACHNODACTYLY AND ABDOMINAL HERNIAS; Marfanoid disorder with craniosynostosis type 1; Marfanoid craniosynostosis syndrome; Shprintzen-Goldberg marfanoid syndrome. Identifiers: Orphanet 2462, MedGen C1321551, MONDO:0008426, OMIM 182212.

Allele frequency attached by ClinVar (database versions not stated): gnomAD 0.00001; TOPMed 0.00001; gnomAD exomes below 0.00001.
gnomAD v4.1: 4 of 1,612,332 alleles (0.00025%); highest among the groups gnomAD compares: African/African-American, 0.0027%; no homozygotes.

Submissions (2):

Labcorp Genetics (formerly Invitae), Labcorp
Classification: Likely benign for Shprintzen-Goldberg syndrome. Last evaluated: 2025-07-14. Review status: criteria provided, single submitter. Criteria: Invitae Variant Classification Sherloc (09022015). Collection method: clinical testing. Allele origin: germline.

Ambry Genetics
Classification: Uncertain significance for Familial thoracic aortic aneurysm and aortic dissection. Last evaluated: 2023-08-29. Review status: criteria provided, single submitter. Criteria: Ambry Variant Classification Scheme 2023. Collection method: clinical testing. Allele origin: germline.
Comment: The p.A283V variant (also known as c.848C>T), located in coding exon 1 of the SKI gene, results from a C to T substitution at nucleotide position 848. The alanine at codon 283 is replaced by valine, an amino acid with similar properties. This amino acid position is conserved. In addition, this alteration is predicted to be deleterious by in silico analysis. Since supporting evidence is limited at this time, the clinical significance of this alteration remains unclear.